The following is an entry in ClinVar:

NM_001005273.3(CHD3):c.2960A>C (p.Glu987Ala)

Gene: CHD3 (chromodomain helicase DNA binding protein 3; plus strand). Cytogenetic location: 17p13.1.
Variant type: single nucleotide variant.
Coding change: c.2960A>C on transcript NM_001005273.3 (MANE Select); coding-DNA position 2960, A replaced by C.
Protein change: p.Glu987Ala; replaces glutamic acid 987 with alanine.
Molecular consequence: missense variant.
Genome position (GRCh38, 1-based): chr17:7,900,713, A>C. VCF-style: chr17-7900713-A-C. GRCh37 (hg19) VCF-style: chr17-7804031-A-C.
Other names: c.3137A>C, p.Glu1046Ala (NM_001005271.3); c.2960A>C, p.Glu987Ala (NM_005852.4); short protein forms E1046A, E987A.
Identifiers: ClinVar variation 3362308 (VCV003362308.3).
Genomic context (GRCh38, chr17:7,900,713, plus strand): 5'-GACTCAAGGCAGATGTCTTTAAGAACATGCCAGCCAAGACAGAGCTCATCGTTCGGGTGG[A>C]GCTAAGCCCCATGCAGAAGTAAGATGCAAGACGAGCTGCCTGGAGTAGGGCTTGGGGATT-3'
Protein context (NP_001005273.1, residues 977-997): PAKTELIVRV[Glu987Ala]LSPMQKKYYK

ClinVar aggregate classification (germline): Uncertain significance (1 of 4 stars; one submission).

Conditions:
Snijders Blok-Campeau syndrome. Also called: INTELLECTUAL DEVELOPMENTAL DISORDER WITH MACROCEPHALY, SPEECH DELAY, AND DYSMORPHIC FACIES. Identifiers: Orphanet 599082, MedGen C4748701, MONDO:0032600, OMIM 618205.

Submission:

Neuberg Centre For Genomic Medicine, NCGM
Classification: Uncertain significance for Snijders Blok-Campeau syndrome. Last evaluated: 2023-06-02. Review status: criteria provided, single submitter. Criteria: ACMG Guidelines, 2015. Collection method: clinical testing. Allele origin: germline. Inheritance: Autosomal dominant inheritance. Affected: yes.
Comment: The missense variant c.2960A>C (p.Glu987Ala) in the CHD3 gene has not been reported previously as a pathogenic variant nor as a benign variant, to our knowledge. This variant is absent in the gnomAD Exomes. The amino acid Glu at position 987 is changed to a Ala changing protein sequence and it might alter its composition and physico-chemical properties. Multiple lines of computational evidence (Polyphen - Damaging, SIFT - Damaging and MutationTaster - Disease causing) predict a damaging effect on protein structure and function for this variant. The amino acid change p.Glu987Ala in CHD3 is predicted as conserved by GERP++ and PhyloP across 100 vertebrates. For these reasons, this variant has been classified as Uncertain Significance.